The following is an entry in ClinVar:

NM_000038.6(APC):c.4897delinsTG (p.Thr1633fs)

Gene: APC (APC regulator of Wnt signaling pathway; plus strand). Cytogenetic location: 5q22.2.
Variant type: Indel.
Coding change: c.4897delinsTG on transcript NM_000038.6 (MANE Select); coding-DNA position 4897, A replaced by TG.
Protein change: p.Thr1633fs; shifts the reading frame from threonine 1633.
Molecular consequence: frameshift variant.
Genome position (GRCh38, 1-based): chr5:112,840,491, A replaced by TG. VCF-style: chr5-112840491-A-TG. GRCh37 (hg19) VCF-style: chr5-112176188-A-TG.
Other names: c.4897delinsTG, p.Thr1633fs (NM_001127510.3, NM_001354895.2); c.4843delinsTG, p.Thr1615fs (NM_001127511.3); c.4951delinsTG, p.Thr1651fs (NM_001354896.2); c.4927delinsTG, p.Thr1643fs (NM_001354897.2); c.4822delinsTG, p.Thr1608fs (NM_001354898.2); c.4813delinsTG, p.Thr1605fs (NM_001354899.2); c.4774delinsTG, p.Thr1592fs (NM_001354900.2); c.4720delinsTG, p.Thr1574fs (NM_001354901.2); and 6 more; short protein forms T1473fs, T1643fs, T1651fs, T1574fs, T1605fs, T1532fs, T1592fs, T1608fs.
Identifiers: ClinVar variation 968599 (VCV000968599.8), dbSNP rs1765800063, ClinGen allele CA1139659016.

ClinVar aggregate classification (germline): Pathogenic. Review status: criteria provided, multiple submitters, no conflicts (2 of 4 stars). 2 submissions from 2 submitters: Pathogenic (2). Last evaluated 2024-05-13.

Conditions:
Hereditary cancer-predisposing syndrome. Also called: Hereditary neoplastic syndrome; Neoplastic Syndromes, Hereditary; Hereditary Cancer Syndrome; Tumor predisposition. Identifiers: Orphanet 140162, MedGen C0027672, MeSH D009386, MONDO:0015356.
Familial adenomatous polyposis 1 (FAP1). Also called: POLYPOSIS, ADENOMATOUS INTESTINAL; FAMILIAL ADENOMATOUS POLYPOSIS 1, ATTENUATED. Identifiers: MedGen C2713442, MONDO:0021056, OMIM 175100. Disease mechanism: loss of function.

Submissions (2):

Labcorp Genetics (formerly Invitae), Labcorp
Classification: Pathogenic for Familial adenomatous polyposis 1. Last evaluated: 2024-05-13. Review status: criteria provided, single submitter. Criteria: Invitae Variant Classification Sherloc (09022015). Collection method: clinical testing. Allele origin: germline.
Comment: This sequence change creates a premature translational stop signal (p.Thr1633Cysfs*5) in the APC gene. While this is not anticipated to result in nonsense mediated decay, it is expected to disrupt the last 1211 amino acid(s) of the APC protein. This variant is not present in population databases (gnomAD no frequency). This variant has not been reported in the literature in individuals affected with APC-related conditions. This variant is expected to disrupt the EB1 and HDLG binding sites, which mediate interactions with the cytoskeleton (PMID: 15311282, 17293347). While functional studies have not been performed to directly test the effect on APC protein function, this suggests that disruption of the C-terminal portion of the protein is functionally important. A different truncation (p.Tyr2645Lysfs*14) that lies downstream of this variant has been determined to be pathogenic (PMID: 9824584, 1316610, 27081525, 8381579, 22135120, Invitae). This suggests that deletion of this region of the APC protein is causative of disease. For these reasons, this variant has been classified as Pathogenic.

Ambry Genetics
Classification: Pathogenic for Hereditary cancer-predisposing syndrome. Last evaluated: 2021-04-19. Review status: criteria provided, single submitter. Criteria: Ambry Variant Classification Scheme 2023. Collection method: clinical testing. Allele origin: germline.
Comment: The c.4897delAinsTG pathogenic mutation, located in coding exon 15 of the APC gene, results from the deletion of one nucleotide and insertion of two nucleotides causing a translational frameshift with a predicted alternate stop codon (p.T1633Cfs*5). This alteration occurs at the 3' terminus of the APC gene, is not expected to trigger nonsense-mediated mRNA decay, and only impacts the last exon of the protein. However, premature stop codons are typically deleterious in nature and the impacted region is critical for protein function (Ambry internal data). As such, this alteration is interpreted as a disease-causing mutation.

Literature cited by the submitters: PubMed 15311282 (cited by Labcorp Genetics (formerly Invitae), Labcorp); PubMed 17293347 (cited by Labcorp Genetics (formerly Invitae), Labcorp); PubMed 9824584 (cited by Labcorp Genetics (formerly Invitae), Labcorp); PubMed 1316610 (cited by Labcorp Genetics (formerly Invitae), Labcorp); PubMed 27081525 (cited by Labcorp Genetics (formerly Invitae), Labcorp); PubMed 8381579 (cited by Labcorp Genetics (formerly Invitae), Labcorp); PubMed 22135120 (cited by Labcorp Genetics (formerly Invitae), Labcorp).